The following is an entry in ClinVar:

ClinVar aggregate classification (germline): Likely pathogenic (1 of 4 stars; one submission).

Allele frequency attached by ClinVar (database versions not stated): gnomAD exomes 0.00001.

Submission:

Labcorp Genetics (formerly Invitae), Labcorp
Classification: Likely pathogenic. Last evaluated: 2023-10-26. Review status: criteria provided, single submitter. Criteria: Invitae Variant Classification Sherloc (09022015). Collection method: clinical testing. Allele origin: germline.
Comment: This sequence change replaces arginine, which is basic and polar, with glycine, which is neutral and non-polar, at codon 28 of the COL7A1 protein (p.Arg28Gly). The frequency data for this variant in the population databases is considered unreliable, as metrics indicate poor data quality at this position in the gnomAD database. This missense change has been observed in individual(s) with autosomal recessive dystrophic epidermolysis bullosa (PMID: 21196708). In at least one individual the data is consistent with being in trans (on the opposite chromosome) from a pathogenic variant. It has also been observed to segregate with disease in related individuals. Advanced modeling of protein sequence and biophysical properties (such as structural, functional, and spatial information, amino acid conservation, physicochemical variation, residue mobility, and thermodynamic stability) performed at Invitae indicates that this missense variant is not expected to disrupt COL7A1 protein function with a negative predictive value of 95%. Algorithms developed to predict the effect of sequence changes on RNA splicing suggest that this variant may disrupt the consensus splice site. In summary, the currently available evidence indicates that the variant is pathogenic, but additional data are needed to prove that conclusively. Therefore, this variant has been classified as Likely Pathogenic.

Literature cited by the submitters: PubMed 21196708.

NM_000094.4(COL7A1):c.82A>G (p.Arg28Gly)

Gene: COL7A1 (collagen type VII alpha 1 chain; minus strand). Cytogenetic location: 3p21.31.
Variant type: single nucleotide variant.
Coding change: c.82A>G on transcript NM_000094.4 (MANE Select); coding-DNA position 82, A replaced by G.
Protein change: p.Arg28Gly; replaces arginine 28 with glycine.
Molecular consequence: missense variant.
Genome position (GRCh38, 1-based): chr3:48,595,078, T>C on the plus strand (A>G on the coding strand, the complement: COL7A1 is on the minus strand). VCF-style: chr3-48595078-T-C. GRCh37 (hg19) VCF-style: chr3-48632511-T-C.
Other names: short protein forms R28G.
Identifiers: ClinVar variation 2734530 (VCV002734530.3), dbSNP rs1328022633, ClinGen allele CA352750167.